The following is an entry in ClinVar:

NM_000158.4(GBE1):c.76C>T (p.Pro26Ser)

Gene: GBE1 (1,4-alpha-glucan branching enzyme 1; minus strand). Cytogenetic location: 3p12.2.
Variant type: single nucleotide variant.
Coding change: c.76C>T on transcript NM_000158.4 (MANE Select); coding-DNA position 76, C replaced by T.
Protein change: p.Pro26Ser; replaces proline 26 with serine.
Molecular consequence: missense variant.
Genome position (GRCh38, 1-based): chr3:81,761,442, G>A on the plus strand (C>T on the coding strand, the complement: GBE1 is on the minus strand). VCF-style: chr3-81761442-G-A. GRCh37 (hg19) VCF-style: chr3-81810593-G-A.
Other names: short protein forms P26S.
Identifiers: ClinVar variation 1200274 (VCV001200274.3), dbSNP rs1009049937, ClinGen allele CA78304363.

ClinVar aggregate classification (germline): Uncertain significance (1 of 4 stars; one submission).

Allele frequency attached by ClinVar (database versions not stated): gnomAD exomes 0.00001; TOPMed 0.00001; gnomAD 0.00001.
gnomAD v4.1: 3 of 1,613,552 alleles (0.00019%); highest among the groups gnomAD compares: African/African-American, 0.004%; no homozygotes.

Submission:

GeneDx
Classification: Uncertain significance. Last evaluated: 2021-03-12. Review status: criteria provided, single submitter. Criteria: GeneDx Variant Classification Process June 2021. Collection method: clinical testing. Allele origin: germline. Affected: yes.
Comment: Not observed at a significant frequency in large population cohorts (Lek et al., 2016); In silico analysis supports that this missense variant has a deleterious effect on protein structure/function; Has not been previously published as pathogenic or benign to our knowledge